The following is an entry in ClinVar:

ClinVar aggregate classification (germline): Uncertain significance (1 of 4 stars; one submission).

Submission:

CeGaT Center for Human Genetics Tuebingen
Classification: Uncertain significance. Last evaluated: 2025-06-01. Review status: criteria provided, single submitter. Criteria: CeGaT Center For Human Genetics Tuebingen Variant Classification Criteria Version 2. Collection method: clinical testing. Allele origin: germline. Affected: yes. Observed: 1 variant allele.
Comment: SRPK3: PM2

NM_014370.4(SRPK3):c.160dup (p.Glu54fs)

Gene: SRPK3 (SRSF protein kinase 3; plus strand). Cytogenetic location: Xq28.
Variant type: Duplication.
Coding change: c.160dup on transcript NM_014370.4 (MANE Select); coding-DNA position 160, one base duplicated (G; older notation c.160dupG).
Protein change: p.Glu54fs; shifts the reading frame from glutamic acid 54.
Molecular consequence: frameshift variant.
Genome position (GRCh38, 1-based): chrX:153,781,316, G duplicated; the last of 2 consecutive G bases (chrX:153,781,315-153,781,316); duplicating either gives the same sequence. VCF-style (leftmost placement, unchanged base first): chrX-153781314-A-AG. GRCh37 (hg19) VCF-style: chrX-153046769-A-AG.
Other names: c.160dup, p.Glu54fs (NM_001170760.2, NM_001170761.2); short protein forms E54fs.
Identifiers: ClinVar variation 4084293 (VCV004084293.8).